The following is an entry in ClinVar:

ClinVar aggregate classification (germline): Uncertain significance (1 of 4 stars; one submission).

Conditions:
Alstrom syndrome (ALMS). Identifiers: Orphanet 64, MedGen C0268425, MONDO:0008763, OMIM 203800.

Submission:

Labcorp Genetics (formerly Invitae), Labcorp
Classification: Uncertain significance for Alstrom syndrome. Last evaluated: 2022-09-27. Review status: criteria provided, single submitter. Criteria: Invitae Variant Classification Sherloc (09022015). Collection method: clinical testing. Allele origin: germline.
Comment: In summary, the available evidence is currently insufficient to determine the role of this variant in disease. Therefore, it has been classified as a Variant of Uncertain Significance. Experimental studies and prediction algorithms are not available or were not evaluated, and the functional significance of this variant is currently unknown. This variant has not been reported in the literature in individuals affected with ALMS1-related conditions. This variant is not present in population databases (gnomAD no frequency). This sequence change replaces asparagine, which is neutral and polar, with threonine, which is neutral and polar, at codon 3373 of the ALMS1 protein (p.Asn3373Thr).

NM_001378454.1(ALMS1):c.10115A>C (p.Asn3372Thr)

Gene: ALMS1 (ALMS1 centrosome and basal body associated protein; plus strand). Cytogenetic location: 2p13.1.
Variant type: single nucleotide variant.
Coding change: c.10115A>C on transcript NM_001378454.1 (MANE Select); coding-DNA position 10115, A replaced by C.
Protein change: p.Asn3372Thr; replaces asparagine 3372 with threonine.
Molecular consequence: missense variant.
Genome position (GRCh38, 1-based): chr2:73,557,256, A>C. VCF-style: chr2-73557256-A-C. GRCh37 (hg19) VCF-style: chr2-73784383-A-C.
Other names: c.10118A>C, p.Asn3373Thr (NM_015120.4); short protein forms N3372T, N3373T.
Identifiers: ClinVar variation 2000254 (VCV002000254.4), dbSNP rs2466402600, ClinGen allele CA347276320.